The following is an entry in ClinVar:

ClinVar aggregate classification (germline): Uncertain significance (1 of 4 stars; one submission).

Conditions:
Nephronophthisis. Also called: Juvenile Nephronophthisis. Identifiers: Orphanet 655, MedGen C0687120, MONDO:0019005, HP:0000090.

Allele frequency attached by ClinVar (database versions not stated): TOPMed below 0.00001.

Submission:

Labcorp Genetics (formerly Invitae), Labcorp
Classification: Uncertain significance for Nephronophthisis. Last evaluated: 2022-11-22. Review status: criteria provided, single submitter. Criteria: Invitae Variant Classification Sherloc (09022015). Collection method: clinical testing. Allele origin: germline.
Comment: In summary, the available evidence is currently insufficient to determine the role of this variant in disease. Therefore, it has been classified as a Variant of Uncertain Significance. Algorithms developed to predict the effect of missense changes on protein structure and function (SIFT, PolyPhen-2, Align-GVGD) all suggest that this variant is likely to be tolerated. ClinVar contains an entry for this variant (Variation ID: 1004123). This variant has not been reported in the literature in individuals affected with INVS-related conditions. This variant is not present in population databases (gnomAD no frequency). This sequence change replaces asparagine, which is neutral and polar, with aspartic acid, which is acidic and polar, at codon 379 of the INVS protein (p.Asn379Asp).

NM_014425.5(INVS):c.1135A>G (p.Asn379Asp)

Gene: INVS (inversin; plus strand). Cytogenetic location: 9q31.1.
Variant type: single nucleotide variant.
Coding change: c.1135A>G on transcript NM_014425.5 (MANE Select); coding-DNA position 1135, A replaced by G.
Protein change: p.Asn379Asp; replaces asparagine 379 with aspartic acid.
Molecular consequence: missense variant. On other transcripts: non-coding transcript variant (1).
Genome position (GRCh38, 1-based): chr9:100,252,339, A>G. VCF-style: chr9-100252339-A-G. GRCh37 (hg19) VCF-style: chr9-103014621-A-G.
Other names: c.847A>G, p.Asn283Asp (NM_001318381.2); c.157A>G, p.Asn53Asp (NM_001318382.2); short protein forms N283D, N379D, N53D.
Identifiers: ClinVar variation 1004123 (VCV001004123.9), dbSNP rs1832262518, ClinGen allele CA374364365.
Genomic context (GRCh38, chr9:100,252,339, plus strand): 5'-TTAGCTTTGCATGCTGCTGCTCTTTCTGGCCATGTCAGCACCGTGAAGTTATTACTGGAA[A>G]ATAATGCTCAAGTAGATGCTACTGATGTTATGAAACATACTCCACTTTTCCGAGCCTGTG-3'
Protein context (NP_055240.2, residues 369-389): HVSTVKLLLE[Asn379Asp]NAQVDATDVM